The following is an entry in ClinVar:

ClinVar aggregate classification (germline): Uncertain significance (1 of 4 stars; one submission).

Conditions:
Neuronal ceroid lipofuscinosis. Also called: Neuronal Ceroid Lipofuscinoses. Identifiers: Orphanet 216, Orphanet 79263, MedGen C0027877, MONDO:0016295. Disease mechanism: loss of function.

Allele frequency attached by ClinVar (database versions not stated): gnomAD 0.00001; TOPMed below 0.00001.
gnomAD v4.1: 1 of 1,614,004 alleles (0.000062%); highest among the groups gnomAD compares: Non-Finnish European, 0.000085%; no homozygotes.

Submission:

Labcorp Genetics (formerly Invitae), Labcorp
Classification: Uncertain significance for Neuronal ceroid lipofuscinosis. Last evaluated: 2022-03-17. Review status: criteria provided, single submitter. Criteria: Invitae Variant Classification Sherloc (09022015). Collection method: clinical testing. Allele origin: germline.
Comment: This sequence change replaces leucine, which is neutral and non-polar, with valine, which is neutral and non-polar, at codon 153 of the CLN8 protein (p.Leu153Val). This variant is not present in population databases (gnomAD no frequency). This variant has not been reported in the literature in individuals affected with CLN8-related conditions. Advanced modeling of protein sequence and biophysical properties (such as structural, functional, and spatial information, amino acid conservation, physicochemical variation, residue mobility, and thermodynamic stability) performed at Invitae indicates that this missense variant is not expected to disrupt CLN8 protein function. In summary, the available evidence is currently insufficient to determine the role of this variant in disease. Therefore, it has been classified as a Variant of Uncertain Significance.

NM_018941.4(CLN8):c.457C>G (p.Leu153Val)

Gene: CLN8 (CLN8 transmembrane ER and ERGIC protein; plus strand). Cytogenetic location: 8p23.3.
Variant type: single nucleotide variant.
Coding change: c.457C>G on transcript NM_018941.4 (MANE Select); coding-DNA position 457, C replaced by G.
Protein change: p.Leu153Val; replaces leucine 153 with valine.
Molecular consequence: missense variant.
Genome position (GRCh38, 1-based): chr8:1,771,511, C>G. VCF-style: chr8-1771511-C-G. GRCh37 (hg19) VCF-style: chr8-1719677-C-G.
Other names: short protein forms L153V.
Identifiers: ClinVar variation 2146768 (VCV002146768.1), dbSNP rs755276576, ClinGen allele CA369953607.